The following is an entry in ClinVar:

ClinVar aggregate classification (germline): Pathogenic. Review status: criteria provided, single submitter (1 of 4 stars). 2 submissions from 2 submitters: Pathogenic (1). 1 of the submissions does not count toward it.

Conditions:
Craniosynostosis and dental anomalies (CRSDA). Also called: KREIBORG-PAKISTANI SYNDROME. Identifiers: Orphanet 284149, MedGen C3280073, MONDO:0013615, OMIM 614188.

Allele frequency attached by ClinVar (database versions not stated): gnomAD 0.00001; TOPMed 0.00002.

Submissions (2):

Kids Neuroscience Centre, Sydney Children's Hospitals Network
Classification: Pathogenic for Craniosynostosis and dental anomalies. Review status: criteria provided, single submitter. Criteria: Bournazos AM et al. (Genet Med 2021). Collection method: provider interpretation. Allele origin: maternal, paternal. Inheritance: Autosomal recessive inheritance. Affected: yes. Observed: 2 compound heterozygotes.
Comment: This variant has previously been reported as pathogenic in ClinVar (VCV000030139). This variant is present in the Genome Aggregation Database (gnomAD) at an allele frequency of 0.00002121 (6/282832).

OMIM
Classification: Pathogenic for CRANIOSYNOSTOSIS AND DENTAL ANOMALIES. Last evaluated: 2011-07-15. Review status: no assertion criteria provided. Collection method: literature only. Allele origin: germline. Not counted in ClinVar's aggregate classification.

Literature cited by the submitters: PubMed 21741611 (cited by OMIM).

NM_001142784.3(IL11RA):c.475C>T (p.Gln159Ter)

Gene: IL11RA (interleukin 11 receptor subunit alpha; plus strand). Cytogenetic location: 9p13.3.
Variant type: single nucleotide variant.
Coding change: c.475C>T on transcript NM_001142784.3 (MANE Select); coding-DNA position 475, C replaced by T.
Protein change: p.Gln159Ter; replaces glutamine 159 with a stop codon.
Molecular consequence: nonsense. On other transcripts: non-coding transcript variant (1).
Genome position (GRCh38, 1-based): chr9:34,657,331, C>T. VCF-style: chr9-34657331-C-T. GRCh37 (hg19) VCF-style: chr9-34657328-C-T.
Other names: short protein forms Q159*.
Identifiers: ClinVar variation 30139 (VCV000030139.6), dbSNP rs387906787, ClinGen allele CA128971.